The following is an entry in ClinVar:

ClinVar aggregate classification (germline): Benign/Likely benign. Review status: criteria provided, multiple submitters, no conflicts (2 of 4 stars). 5 submissions from 5 submitters: Benign (1); Likely benign (3). 1 of the submissions does not count toward it. Last evaluated 2026-01-31.

Conditions:
Hereditary cancer-predisposing syndrome. Also called: Tumor predisposition; Hereditary Cancer Syndrome; Neoplastic Syndromes, Hereditary; Hereditary neoplastic syndrome. Identifiers: Orphanet 140162, MedGen C0027672, MeSH D009386, MONDO:0015356.
Malignant tumor of breast. Also called: Malignant breast neoplasm; Cancer breast. Identifiers: MedGen C0006142, MONDO:0007254. Disease mechanism: loss of function.
Familial cancer of breast. Also called: hereditary breast carcinoma; Hereditary breast cancer; BREAST CANCER, FAMILIAL. Identifiers: Orphanet 227535, MedGen C0346153, MONDO:0016419, OMIM 114480. Disease mechanism: loss of function.

Allele frequency attached by ClinVar (database versions not stated): ExAC 0.00002; TOPMed 0.00002; gnomAD 0.00003; gnomAD exomes 0.00004.
gnomAD v4.1: 66 of 1,613,988 alleles (0.0041%); highest among the groups gnomAD compares: Non-Finnish European, 0.0053%; no homozygotes.

Submissions (5):

Labcorp Genetics (formerly Invitae), Labcorp
Classification: Likely benign for Familial cancer of breast. Last evaluated: 2026-01-31. Review status: criteria provided, single submitter. Criteria: Invitae Variant Classification Sherloc (09022015). Collection method: clinical testing. Allele origin: germline.

Blueprint Genetics
Classification: Likely benign. Last evaluated: 2024-11-26. Review status: criteria provided, single submitter. Criteria: ACMG Guidelines, 2015. Collection method: clinical testing. Allele origin: germline.

Color Diagnostics, LLC DBA Color Health
Classification: Likely benign for Hereditary cancer-predisposing syndrome. Last evaluated: 2016-07-25. Review status: criteria provided, single submitter. Criteria: ACMG Guidelines, 2015. Collection method: clinical testing. Allele origin: germline.

GeneDx
Classification: Benign. Last evaluated: 2015-05-11. Review status: criteria provided, single submitter. Criteria: GeneDx Variant Classification Process June 2021. Collection method: clinical testing. Allele origin: germline. Affected: yes.

Department of Pathology and Laboratory Medicine, Sinai Health System
Classification: Uncertain significance for Malignant tumor of breast. Review status: no assertion criteria provided. Collection method: clinical testing. Allele origin: unknown. Affected: yes. Observed: 2 variant alleles. Study: The Canadian Open Genetics Repository (COGR). Not counted in ClinVar's aggregate classification.
Comment: The PALB2 c.2748+15C>T variant was not identified in the literature nor was it identified in the ClinVar, Cosmic, MutDB, LOVD 3.0 or Zhejiang Colon Cancer Database. The variant was identified in dbSNP (ID: rs749756493) as â€šÃ„ÃºNAâ€šÃ„Ã¹, and in control databases in 9 of 246220 chromosomes at a frequency of 0.00004 (Genome Aggregation Database Feb 27, 2017). Breakdown of the observations by population include European Non-Finnish in 8 of 111688 chromosomes (freq: 0.00007) and South Asian in 1 of 30778 chromosomes (freq: 0.00003), while not observed in the African, Other, Latino, Ashkenazi Jewish, East Asian and European Finnish populations. The variant occurs outside of the splicing consensus sequence and 1 of 5 in silico or computational prediction software programs (SpliceSiteFinder, MaxEntScan, NNSPLICE, GeneSplicer, HumanSpliceFinder) predict a greater than 10% difference in splicing; this is not very predictive of pathogenicity. In summary, based on the above information the clinical significance of this variant cannot be determined with certainty at this time. This variant is classified as a variant of uncertain significance.

NM_024675.4(PALB2):c.2748+15C>T

Gene: PALB2 (partner and localizer of BRCA2; minus strand). Cytogenetic location: 16p12.2.
Variant type: single nucleotide variant.
Coding change: c.2748+15C>T on transcript NM_024675.4 (MANE Select); 15 bases into the intron after coding-DNA position 2748, C replaced by T.
Molecular consequence: intron variant.
Genome position (GRCh38, 1-based): chr16:23,626,221, G>A on the plus strand (C>T on the coding strand, the complement: PALB2 is on the minus strand). VCF-style: chr16-23626221-G-A. GRCh37 (hg19) VCF-style: chr16-23637542-G-A.
Identifiers: ClinVar variation 492197 (VCV000492197.17), dbSNP rs749756493, ClinGen allele CA7963501.